The following is an entry in ClinVar:

NM_001684.5(ATP2B4):c.1677G>T (p.Glu559Asp)

Gene: ATP2B4 (ATPase plasma membrane Ca2+ transporting 4; plus strand). Cytogenetic location: 1q32.1.
Variant type: single nucleotide variant.
Coding change: c.1677G>T on transcript NM_001684.5 (MANE Select); coding-DNA position 1677, G replaced by T.
Protein change: p.Glu559Asp; replaces glutamic acid 559 with aspartic acid.
Molecular consequence: missense variant.
Genome position (GRCh38, 1-based): chr1:203,709,420, G>T. VCF-style: chr1-203709420-G-T. GRCh37 (hg19) VCF-style: chr1-203678548-G-T.
Other names: c.1677G>T, p.Glu559Asp (NM_001365784.2, NM_001001396.3, NM_001365783.2); short protein forms E559D.
Identifiers: ClinVar variation 3627406 (VCV003627406.2).

ClinVar aggregate classification (germline): Uncertain significance (1 of 4 stars; one submission).

gnomAD v4.1: 73 of 1,614,086 alleles (0.0045%); highest among the groups gnomAD compares: Admixed American, 0.0083%; no homozygotes.

Submission:

Labcorp Genetics (formerly Invitae), Labcorp
Classification: Uncertain significance. Last evaluated: 2025-04-02. Review status: criteria provided, single submitter. Criteria: Invitae Variant Classification Sherloc (09022015). Collection method: clinical testing. Allele origin: germline.
Comment: This sequence change replaces glutamic acid, which is acidic and polar, with aspartic acid, which is acidic and polar, at codon 559 of the ATP2B4 protein (p.Glu559Asp). This variant is present in population databases (rs770417814, gnomAD 0.2%), and has an allele count higher than expected for a pathogenic variant. This variant has not been reported in the literature in individuals affected with ATP2B4-related conditions. ClinVar contains an entry for this variant (Variation ID: 3627406). Invitae Evidence Modeling of protein sequence and biophysical properties (such as structural, functional, and spatial information, amino acid conservation, physicochemical variation, residue mobility, and thermodynamic stability) indicates that this missense variant is not expected to disrupt ATP2B4 protein function with a negative predictive value of 80%. In summary, the available evidence is currently insufficient to determine the role of this variant in disease. Therefore, it has been classified as a Variant of Uncertain Significance.